The following is an entry in ClinVar:

ClinVar aggregate classification (germline): no classifications from unflagged records (0 of 4 stars; one submission).

Conditions:
Diencephalic-mesencephalic junction dysplasia syndrome 2. Also called: SPASTIC TETRAPARESIS, DYSTONIA, DEVELOPMENTAL DELAY, AND STRUCTURAL ABNORMALITIES OF THE BASAL GANGLIA. Identifiers: MedGen C5231440, MONDO:0020762, OMIM 618646.

Submission:

OMIM
Classification: Pathogenic for DIENCEPHALIC-MESENCEPHALIC JUNCTION DYSPLASIA SYNDROME 2. Last evaluated: 2020-08-14. Review status: flagged submission. Collection method: literature only. Allele origin: germline.
ClinVar note: Notes: Flagging candidate with reason of insufficient supporting evidence. This gene has been classified as having a limited gene-disease relationship by a ClinGen Expert Panel.
ClinVar note: Reason: Other

Literature cited by the submitters: PubMed 31412107.

NM_133267.3(GSX2):c.26C>A (p.Ser9Ter)

Gene: GSX2 (GS homeobox 2; plus strand). Cytogenetic location: 4q12.
Variant type: single nucleotide variant.
Coding change: c.26C>A on transcript NM_133267.3 (MANE Select); coding-DNA position 26, C replaced by A.
Protein change: p.Ser9Ter; replaces serine 9 with a stop codon.
Molecular consequence: nonsense.
Genome position (GRCh38, 1-based): chr4:54,100,370, C>A. VCF-style: chr4-54100370-C-A. GRCh37 (hg19) VCF-style: chr4-54966537-C-A.
Other names: short protein forms S9*.
Identifiers: ClinVar variation 694062 (VCV000694062.3), dbSNP rs1578004339, ClinGen allele CA356953777.